The following is an entry in ClinVar:

NM_001372044.2(SHANK3):c.1619_1629dup (p.Ser544fs)

Gene: SHANK3 (SH3 and multiple ankyrin repeat domains 3; plus strand). Cytogenetic location: 22q13.33.
Variant type: Duplication.
Coding change: c.1619_1629dup on transcript NM_001372044.2 (MANE Select); coding-DNA positions 1619 to 1629, 11 bases duplicated (GGAAACTTTAC).
Protein change: p.Ser544fs; shifts the reading frame from serine 544.
Molecular consequence: frameshift variant.
Genome position (GRCh38, 1-based): chr22:50,697,611-50,697,621, GGAAACTTTAC duplicated; duplicating any 11 consecutive bases within chr22:50,697,610-50,697,621 gives the same sequence; the c. name uses the placement nearest the transcript's 3' end. VCF-style (leftmost placement, unchanged base first): chr22-50697609-G-GCGGAAACTTTA. GRCh37 (hg19) VCF-style: chr22-51136037-G-GCGGAAACTTTA.
Other names: c.1394_1404dupGGAAACTTTAC (NM_033517.1); short protein forms S544fs.
Identifiers: ClinVar variation 2298744 (VCV002298744.2), dbSNP rs2518397146, ClinGen allele CA2580099957.

ClinVar aggregate classification (germline): Pathogenic (1 of 4 stars; one submission).

Conditions:
Inborn genetic diseases. Identifiers: MedGen C0950123, MeSH D030342.

Submission:

Ambry Genetics
Classification: Pathogenic for Inborn genetic diseases. Last evaluated: 2024-01-31. Review status: criteria provided, single submitter. Criteria: Ambry Variant Classification Scheme 2023. Collection method: clinical testing. Allele origin: germline.
Comment: The c.1394_1404dup11 (p.S469Gfs*15) alteration, located in exon 11 (coding exon 11) of the SHANK3 gene, consists of a duplication of GGAAACTTTAC at position 1394, causing a translational frameshift with a predicted alternate stop codon after 15 amino acids. This alteration is expected to result in loss of function by premature protein truncation or nonsense-mediated mRNA decay. This variant was not reported in population-based cohorts in the Genome Aggregation Database (gnomAD). Based on the available evidence, this alteration is classified as pathogenic.